The following is an entry in ClinVar:

NM_004237.4(TRIP13):c.225T>A (p.Ile75=)

Gene: TRIP13 (thyroid hormone receptor interactor 13; plus strand). Cytogenetic location: 5p15.33.
Variant type: single nucleotide variant.
Coding change: c.225T>A on transcript NM_004237.4 (MANE Select); coding-DNA position 225, T replaced by A.
Protein change: p.Ile75=; no amino-acid change (isoleucine 75 retained).
Molecular consequence: synonymous variant.
Genome position (GRCh38, 1-based): chr5:894,919, T>A. VCF-style: chr5-894919-T-A. GRCh37 (hg19) VCF-style: chr5-895034-T-A.
Other names: c.225T>A, p.Ile75= (NM_001166260.2).
Identifiers: ClinVar variation 4821778 (VCV004821778.4).

ClinVar aggregate classification (germline): Likely benign (1 of 4 stars; one submission).

gnomAD v4.1: 16 of 1,612,634 alleles (0.00099%); highest among the groups gnomAD compares: Non-Finnish European, 0.0014%; no homozygotes.

Submission:

CeGaT Center for Human Genetics Tuebingen
Classification: Likely benign. Last evaluated: 2026-03-01. Review status: criteria provided, single submitter. Criteria: CeGaT Center For Human Genetics Tuebingen Variant Classification Criteria Version 2. Collection method: clinical testing. Allele origin: germline. Affected: yes. Observed: 1 variant allele.
Comment: TRIP13: BP4, BP7